The following is an entry in ClinVar:

NM_002764.4(PRPS1):c.272G>A (p.Cys91Tyr)

Gene: PRPS1 (phosphoribosyl pyrophosphate synthetase 1; plus strand). Cytogenetic location: Xq22.3.
Variant type: single nucleotide variant.
Coding change: c.272G>A on transcript NM_002764.4 (MANE Select); coding-DNA position 272, G replaced by A.
Protein change: p.Cys91Tyr; replaces cysteine 91 with tyrosine.
Molecular consequence: missense variant. On other transcripts: intron variant (1).
Genome position (GRCh38, 1-based): chrX:107,639,444, G>A. VCF-style: chrX-107639444-G-A. GRCh37 (hg19) VCF-style: chrX-106882674-G-A.
Other names: c.-82-5733G>A (NM_001204402.2); short protein forms C91Y.
Identifiers: ClinVar variation 650241 (VCV000650241.8), dbSNP rs1602900770, ClinGen allele CA413805503.

ClinVar aggregate classification (germline): Uncertain significance (1 of 4 stars; one submission).

Conditions:
Charcot-Marie-Tooth Neuropathy X. Identifiers: MedGen CN118851.

Submission:

Labcorp Genetics (formerly Invitae), Labcorp
Classification: Uncertain significance for Charcot-Marie-Tooth Neuropathy X. Last evaluated: 2018-11-15. Review status: criteria provided, single submitter. Criteria: Invitae Variant Classification Sherloc (09022015). Collection method: clinical testing. Allele origin: germline.
Comment: Algorithms developed to predict the effect of missense changes on protein structure and function are either unavailable or do not agree on the potential impact of this missense change (SIFT: "Tolerated"; PolyPhen-2: "Possibly Damaging"; Align-GVGD: "Class C0"). This variant has not been reported in the literature in individuals with PRPS1-related disease. This variant is not present in population databases (ExAC no frequency). This sequence change replaces cysteine with tyrosine at codon 91 of the PRPS1 protein (p.Cys91Tyr). The cysteine residue is moderately conserved and there is a large physicochemical difference between cysteine and tyrosine. In summary, the available evidence is currently insufficient to determine the role of this variant in disease. Therefore, it has been classified as a Variant of Uncertain Significance.